The following is an entry in ClinVar:

NM_000632.4(ITGAM):c.1793T>A (p.Leu598Gln)

Gene: ITGAM (integrin subunit alpha M; plus strand). Cytogenetic location: 16p11.2.
Variant type: single nucleotide variant.
Coding change: c.1793T>A on transcript NM_000632.4 (MANE Select); coding-DNA position 1793, T replaced by A.
Protein change: p.Leu598Gln; replaces leucine 598 with glutamine.
Molecular consequence: missense variant.
Genome position (GRCh38, 1-based): chr16:31,321,326, T>A. VCF-style: chr16-31321326-T-A. GRCh37 (hg19) VCF-style: chr16-31332647-T-A.
Other names: c.1796T>A, p.Leu599Gln (NM_001145808.2); short protein forms L598Q, L599Q.
Identifiers: ClinVar variation 3725463 (VCV003725463.2).

ClinVar aggregate classification (germline): Uncertain significance (1 of 4 stars; one submission).

Submission:

Labcorp Genetics (formerly Invitae), Labcorp
Classification: Uncertain significance. Last evaluated: 2024-11-18. Review status: criteria provided, single submitter. Criteria: Invitae Variant Classification Sherloc (09022015). Collection method: clinical testing. Allele origin: germline.
Comment: This sequence change replaces leucine, which is neutral and non-polar, with glutamine, which is neutral and polar, at codon 598 of the ITGAM protein (p.Leu598Gln). This variant is not present in population databases (gnomAD no frequency). This variant has not been reported in the literature in individuals affected with ITGAM-related conditions. An algorithm developed to predict the effect of missense changes on protein structure and function (PolyPhen-2) suggests that this variant is likely to be disruptive. In summary, the available evidence is currently insufficient to determine the role of this variant in disease. Therefore, it has been classified as a Variant of Uncertain Significance.